The following is an entry in ClinVar:

ClinVar aggregate classification (germline): Uncertain significance (1 of 4 stars; one submission).

Conditions:
Hypertrophic cardiomyopathy 19. Also called: Familial hypertrophic cardiomyopathy 19. Identifiers: MedGen CN077603, MONDO:0013476.

Allele frequency attached by ClinVar (database versions not stated): gnomAD exomes below 0.00001.
gnomAD v4.1: 2 of 1,610,498 alleles (0.00012%); highest among the groups gnomAD compares: Non-Finnish European, 0.00017%; no homozygotes.

Submission:

Labcorp Genetics (formerly Invitae), Labcorp
Classification: Uncertain significance for Hypertrophic cardiomyopathy 19. Last evaluated: 2026-01-05. Review status: criteria provided, single submitter. Criteria: Invitae Variant Classification Sherloc (09022015). Collection method: clinical testing. Allele origin: germline.
Comment: This sequence change replaces histidine, which is basic and polar, with tyrosine, which is neutral and polar, at codon 149 of the CALR3 protein (p.His149Tyr). This variant is not present in population databases (gnomAD no frequency). This variant has not been reported in the literature in individuals affected with CALR3-related conditions. ClinVar contains an entry for this variant (Variation ID: 1486756). Invitae Evidence Modeling of protein sequence and biophysical properties (such as structural, functional, and spatial information, amino acid conservation, physicochemical variation, residue mobility, and thermodynamic stability) indicates that this missense variant is not expected to disrupt CALR3 protein function with a negative predictive value of 80%. In summary, the available evidence is currently insufficient to determine the role of this variant in disease. Therefore, it has been classified as a Variant of Uncertain Significance.

NM_145046.5(CALR3):c.445C>T (p.His149Tyr)

Gene: CALR3 (calreticulin 3; minus strand). Cytogenetic location: 19p13.11.
Variant type: single nucleotide variant.
Coding change: c.445C>T on transcript NM_145046.5 (MANE Select); coding-DNA position 445, C replaced by T.
Protein change: p.His149Tyr; replaces histidine 149 with tyrosine.
Molecular consequence: missense variant.
Genome position (GRCh38, 1-based): chr19:16,485,210, G>A on the plus strand (C>T on the coding strand, the complement: CALR3 is on the minus strand). VCF-style: chr19-16485210-G-A. GRCh37 (hg19) VCF-style: chr19-16596021-G-A.
Other names: short protein forms H149Y.
Identifiers: ClinVar variation 1486756 (VCV001486756.6), dbSNP rs2122133577, ClinGen allele CA404610725.